The following is an entry in ClinVar:

NM_000053.4(ATP7B):c.1580del (p.Lys527fs)

Gene: ATP7B (ATPase copper transporting beta; minus strand). Cytogenetic location: 13q14.3.
Variant type: Deletion.
Coding change: c.1580del on transcript NM_000053.4 (MANE Select); coding-DNA position 1580, one base deleted (A; older notation c.1580delA).
Protein change: p.Lys527fs; shifts the reading frame from lysine 527.
Molecular consequence: frameshift variant.
Genome position (GRCh38, 1-based): chr13:51,968,571, T deleted on the plus strand (A on the coding strand, the reverse complement: ATP7B is on the minus strand); the first of 3 consecutive T bases (chr13:51,968,571-51,968,573); deleting any one gives the same sequence. VCF-style (leftmost placement, unchanged base first): chr13-51968570-CT-C. GRCh37 (hg19) VCF-style: chr13-52542706-CT-C.
Other names: c.1580del, p.Lys527fs (NM_001005918.3, NM_001330578.2, NM_001330579.2); c.1247del, p.Lys416fs (NM_001243182.2); c.1578delA, p.Lys527Argfs (NM_001406511.1, NM_001406512.1, NM_001406513.1 and 23 more transcripts); c.1545delA, p.Lys516Argfs (NM_001406514.1, NM_001406524.1); c.1482delA, p.Lys495Argfs (NM_001406517.1, NM_001406518.1, NM_001406530.1 and 3 more transcripts); c.1149delA, p.Lys384Argfs (NM_001406539.1); short protein forms K416fs, K527fs.
Identifiers: ClinVar variation 1725497 (VCV001725497.2), dbSNP rs2547779339, ClinGen allele CA2580087649.

ClinVar aggregate classification (germline): Likely pathogenic (1 of 4 stars; one submission).

Conditions:
Wilson disease (WND). Also called: Wilson's disease. Identifiers: Orphanet 905, MedGen C0019202, MONDO:0010200, OMIM 277900. Disease mechanism: loss of function.

Submission:

Myriad Genetics, Inc.
Classification: Likely pathogenic for Wilson disease. Last evaluated: 2022-03-29. Review status: criteria provided, single submitter. Criteria: Myriad Women's Health Autosomal Recessive and X-Linked Classification Criteria (2021). Collection method: clinical testing. Allele origin: unknown.
Comment: NM_000053.3(ATP7B):c.1580delA(K527Rfs*16) is expected to be pathogenic in the context of Wilson disease. This variant is predicted to lead to an abnormal or absent protein product due to the creation of a premature termination codon in ATP7B, a gene where loss-of-function variants are known to be pathogenic. Please note: this variant was assessed in the context of healthy population screening.